The following is an entry in ClinVar:

NM_004946.3(DOCK2):c.2521G>A (p.Glu841Lys)

Gene: DOCK2 (dedicator of cytokinesis 2; plus strand). Cytogenetic location: 5q35.1.
Variant type: single nucleotide variant.
Coding change: c.2521G>A on transcript NM_004946.3 (MANE Select); coding-DNA position 2521, G replaced by A.
Protein change: p.Glu841Lys; replaces glutamic acid 841 with lysine.
Molecular consequence: missense variant. On other transcripts: non-coding transcript variant (1).
Genome position (GRCh38, 1-based): chr5:169,761,592, G>A. VCF-style: chr5-169761592-G-A. GRCh37 (hg19) VCF-style: chr5-169188596-G-A.
Other names: short protein forms E841K.
Identifiers: ClinVar variation 1477593 (VCV001477593.8), dbSNP rs2113739978, ClinGen allele CA362198115.
Genomic context (GRCh38, chr5:169,761,592, plus strand): 5'-GAGTTCTACACCTGCATCCCTCCTGTGAAACTCCAGAAGCAGAAAGTACAGTCTATGAAT[G>A]AGATAGTCCAGAGCAACCTCTTTAAAAAGCAAGGTGAGTACACAGCACCCTTGCTGGGGT-3'
Protein context (NP_004937.1, residues 831-851): LQKQKVQSMN[Glu841Lys]IVQSNLFKKQ

ClinVar aggregate classification (germline): Uncertain significance (1 of 4 stars; one submission).

Conditions:
DOCK2 deficiency. Also called: Immunodeficiency 40. Identifiers: Orphanet 447737, MedGen C4225328, MONDO:0014637, OMIM 616433.

Submission:

Labcorp Genetics (formerly Invitae), Labcorp
Classification: Uncertain significance for DOCK2 deficiency. Last evaluated: 2020-12-26. Review status: criteria provided, single submitter. Criteria: Invitae Variant Classification Sherloc (09022015). Collection method: clinical testing. Allele origin: germline.
Comment: In summary, the available evidence is currently insufficient to determine the role of this variant in disease. Therefore, it has been classified as a Variant of Uncertain Significance. Algorithms developed to predict the effect of missense changes on protein structure and function (SIFT, PolyPhen-2, Align-GVGD) all suggest that this variant is likely to be tolerated, but these predictions have not been confirmed by published functional studies and their clinical significance is uncertain. This variant has not been reported in the literature in individuals with DOCK2-related conditions. This variant is not present in population databases (ExAC no frequency). This sequence change replaces glutamic acid with lysine at codon 841 of the DOCK2 protein (p.Glu841Lys). The glutamic acid residue is moderately conserved and there is a small physicochemical difference between glutamic acid and lysine.